The following is an entry in ClinVar:

NM_022089.4(ATP13A2):c.43G>A (p.Gly15Ser)

Gene: ATP13A2 (ATPase cation transporting 13A2; minus strand). Cytogenetic location: 1p36.13.
Variant type: single nucleotide variant.
Coding change: c.43G>A on transcript NM_022089.4 (MANE Select); coding-DNA position 43, G replaced by A.
Protein change: p.Gly15Ser; replaces glycine 15 with serine.
Molecular consequence: missense variant.
Genome position (GRCh38, 1-based): chr1:17,005,746, C>T on the plus strand (G>A on the coding strand, the complement: ATP13A2 is on the minus strand). VCF-style: chr1-17005746-C-T. GRCh37 (hg19) VCF-style: chr1-17332241-C-T.
Other names: c.43G>A, p.Gly15Ser (NM_001141973.3, NM_001141974.3); short protein forms G15S.
Identifiers: ClinVar variation 2926184 (VCV002926184.3), dbSNP rs763402910, ClinGen allele CA637787.

ClinVar aggregate classification (germline): Uncertain significance (1 of 4 stars; one submission).

Conditions:
Kufor-Rakeb syndrome (KRS). Also called: PARKINSON DISEASE 9, AUTOSOMAL RECESSIVE, JUVENILE-ONSET. Identifiers: Orphanet 306674, Orphanet 314632, MedGen C1847640, MONDO:0011706, OMIM 606693.
Autosomal recessive spastic paraplegia type 78. Identifiers: Orphanet 513436, MedGen C5567893, MONDO:0014975, OMIM 617225.

Allele frequency attached by ClinVar (database versions not stated): ExAC 0.00001; gnomAD 0.00001; TOPMed 0.00002.
gnomAD v4.1: 20 of 1,612,748 alleles (0.0012%); highest among the groups gnomAD compares: East Asian, 0.0045%; no homozygotes.

Submission:

Labcorp Genetics (formerly Invitae), Labcorp
Classification: Uncertain significance for Kufor-Rakeb syndrome; Autosomal recessive spastic paraplegia type 78. Last evaluated: 2023-06-06. Review status: criteria provided, single submitter. Criteria: Invitae Variant Classification Sherloc (09022015). Collection method: clinical testing. Allele origin: germline.
Comment: This sequence change replaces glycine, which is neutral and non-polar, with serine, which is neutral and polar, at codon 15 of the ATP13A2 protein (p.Gly15Ser). In summary, the available evidence is currently insufficient to determine the role of this variant in disease. Therefore, it has been classified as a Variant of Uncertain Significance. Advanced modeling of protein sequence and biophysical properties (such as structural, functional, and spatial information, amino acid conservation, physicochemical variation, residue mobility, and thermodynamic stability) performed at Invitae indicates that this missense variant is not expected to disrupt ATP13A2 protein function. This variant is present in population databases (rs763402910, gnomAD 0.004%). This variant has not been reported in the literature in individuals affected with ATP13A2-related conditions.